The following is an entry in ClinVar:

ClinVar aggregate classification (germline): Uncertain significance (1 of 4 stars; one submission).

Conditions:
Hereditary cancer-predisposing syndrome. Also called: Neoplastic Syndromes, Hereditary; Tumor predisposition; Hereditary neoplastic syndrome; Hereditary Cancer Syndrome. Identifiers: Orphanet 140162, MedGen C0027672, MeSH D009386, MONDO:0015356.

Submission:

Ambry Genetics
Classification: Uncertain significance for Hereditary cancer-predisposing syndrome. Last evaluated: 2026-07-07. Review status: criteria provided, single submitter. Criteria: Ambry Variant Classification Scheme 2023. Collection method: clinical testing. Allele origin: germline.
Comment: The p.A304V variant (also known as c.911C>T), located in coding exon 3 of the PHOX2B gene, results from a C to T substitution at nucleotide position 911. The alanine at codon 304 is replaced by valine, an amino acid with similar properties. This amino acid position is conserved. In addition, this alteration is predicted to be tolerated by in silico analysis. Based on the available evidence, the clinical significance of this variant remains unclear.

NM_003924.4(PHOX2B):c.911C>T (p.Ala304Val)

Gene: PHOX2B (paired like homeobox 2B; minus strand). Cytogenetic location: 4p13.
Variant type: single nucleotide variant.
Coding change: c.911C>T on transcript NM_003924.4 (MANE Select); coding-DNA position 911, C replaced by T.
Protein change: p.Ala304Val; replaces alanine 304 with valine.
Molecular consequence: missense variant.
Genome position (GRCh38, 1-based): chr4:41,745,841, G>A on the plus strand (C>T on the coding strand, the complement: PHOX2B is on the minus strand). VCF-style: chr4-41745841-G-A. GRCh37 (hg19) VCF-style: chr4-41747858-G-A.
Other names: short protein forms A304V.
Identifiers: ClinVar variation 5026613 (VCV005026613.1).